The following is an entry in ClinVar:

NM_032387.5(WNK4):c.2842C>A (p.Leu948Ile)

Gene: WNK4 (WNK lysine deficient protein kinase 4; plus strand). Cytogenetic location: 17q21.2.
Variant type: single nucleotide variant.
Coding change: c.2842C>A on transcript NM_032387.5 (MANE Select); coding-DNA position 2842, C replaced by A.
Protein change: p.Leu948Ile; replaces leucine 948 with isoleucine.
Molecular consequence: missense variant.
Genome position (GRCh38, 1-based): chr17:42,795,263, C>A. VCF-style: chr17-42795263-C-A. GRCh37 (hg19) VCF-style: chr17-40947281-C-A.
Other names: c.1834C>A, p.Leu612Ile (NM_001321299.2); short protein forms L948I, L612I.
Identifiers: ClinVar variation 323346 (VCV000323346.6), dbSNP rs372807256, ClinGen allele CA8584450.
Genomic context (GRCh38, chr17:42,795,263, plus strand): 5'-AGTGCCTTCTCACTGGCTGTGATGACTGTGGCCCAGTCCCTGCTGTCCCCCTCACCTGGG[C>A]TCCTTTCCCAGTCTCCTCCAGCCCCTCCTAGTCCCCTCCCTAGCCTGCCCCTTCCCCCTC-3'
Protein context (NP_115763.2, residues 938-958): AQSLLSPSPG[Leu948Ile]LSQSPPAPPS

ClinVar aggregate classification (germline): Benign. Review status: criteria provided, multiple submitters, no conflicts (2 of 4 stars). 2 submissions from 2 submitters: Benign (2). Last evaluated 2025-09-29.

Conditions:
Pseudohypoaldosteronism type 2B (PHA2B). Also called: Pseudohypoaldosteronism Type IIB. Identifiers: Orphanet 757, Orphanet 88939, MedGen C1840390, MONDO:0013777, OMIM 614491.

Allele frequency attached by ClinVar (database versions not stated): TOPMed 0.00006; gnomAD 0.00007 and 0.00010; ESP Exome Variant Server 0.00008; 1000 Genomes Project 30x 0.00031; ExAC 0.00032; 1000 Genomes Project 0.00040.
gnomAD v4.1: 304 of 1,613,878 alleles (0.019%); highest among the groups gnomAD compares: South Asian, 0.17%; 2 homozygotes.

Submissions (2):

Labcorp Genetics (formerly Invitae), Labcorp
Classification: Benign. Last evaluated: 2025-09-29. Review status: criteria provided, single submitter. Criteria: Invitae Variant Classification Sherloc (09022015). Collection method: clinical testing. Allele origin: germline.

Illumina Laboratory Services, Illumina
Classification: Benign for Pseudohypoaldosteronism type 2B. Last evaluated: 2018-01-13. Review status: criteria provided, single submitter. Criteria: ICSL Variant Classification Criteria 13 December 2019. Collection method: clinical testing. Allele origin: germline.
Comment: This variant was observed in the ICSL laboratory as part of a predisposition screen in an ostensibly healthy population. It had not been previously curated by ICSL or reported in the Human Gene Mutation Database (HGMD: prior to June 1st, 2018), and was therefore a candidate for classification through an automated scoring system. Utilizing variant allele frequency, disease prevalence and penetrance estimates, and inheritance mode, an automated score was calculated to assess if this variant is too frequent to cause the disease. Based on the score and internal cut-off values, a variant classified as benign is not then subjected to further curation. The score for this variant resulted in a classification of benign for this disease.